The following is an entry in ClinVar:

ClinVar aggregate classification (germline): Uncertain significance. Review status: criteria provided, multiple submitters, no conflicts (2 of 4 stars). 2 submissions from 2 submitters: Uncertain significance (2). Last evaluated 2025-06-22.

Conditions:
Inborn genetic diseases. Identifiers: MedGen C0950123, MeSH D030342.

Allele frequency attached by ClinVar (database versions not stated): TOPMed below 0.00001; ExAC 0.00001; gnomAD 0.00001; gnomAD exomes 0.00001.
gnomAD v4.1: 25 of 1,613,576 alleles (0.0015%); highest among the groups gnomAD compares: Non-Finnish European, 0.0018%; no homozygotes.

Submissions (2):

Labcorp Genetics (formerly Invitae), Labcorp
Classification: Uncertain significance. Last evaluated: 2025-06-22. Review status: criteria provided, single submitter. Criteria: Invitae Variant Classification Sherloc (09022015). Collection method: clinical testing. Allele origin: germline.
Comment: This sequence change replaces threonine, which is neutral and polar, with isoleucine, which is neutral and non-polar, at codon 223 of the GNB3 protein (p.Thr223Ile). This variant is present in population databases (rs782349724, gnomAD 0.002%). This variant has not been reported in the literature in individuals affected with GNB3-related conditions. ClinVar contains an entry for this variant (Variation ID: 1375408). Invitae Evidence Modeling of protein sequence and biophysical properties (such as structural, functional, and spatial information, amino acid conservation, physicochemical variation, residue mobility, and thermodynamic stability) indicates that this missense variant is not expected to disrupt GNB3 protein function with a negative predictive value of 80%. In summary, the available evidence is currently insufficient to determine the role of this variant in disease. Therefore, it has been classified as a Variant of Uncertain Significance.

Ambry Genetics
Classification: Uncertain significance for Inborn genetic diseases. Last evaluated: 2025-04-01. Review status: criteria provided, single submitter. Criteria: Ambry Variant Classification Scheme 2023. Collection method: clinical testing. Allele origin: germline.

NM_002075.4(GNB3):c.668C>T (p.Thr223Ile)

Gene: GNB3 (G protein subunit beta 3; plus strand). Cytogenetic location: 12p13.31.
Variant type: single nucleotide variant.
Coding change: c.668C>T on transcript NM_002075.4 (MANE Select); coding-DNA position 668, C replaced by T.
Protein change: p.Thr223Ile; replaces threonine 223 with isoleucine.
Molecular consequence: missense variant.
Genome position (GRCh38, 1-based): chr12:6,843,947, C>T. VCF-style: chr12-6843947-C-T. GRCh37 (hg19) VCF-style: chr12-6953111-C-T.
Other names: c.668C>T (NM_002075.2); c.665C>T, p.Thr222Ile (NM_001297571.2); short protein forms T223I, T222I.
Identifiers: ClinVar variation 1375408 (VCV001375408.7), dbSNP rs782349724, ClinGen allele CA6417613.